The following is an entry in ClinVar:

ClinVar aggregate classification (germline): Uncertain significance. Review status: criteria provided, multiple submitters, no conflicts (2 of 4 stars). 2 submissions from 2 submitters: Uncertain significance (2). Last evaluated 2026-08-03.

Conditions:
Cardiovascular phenotype. Identifiers: MedGen CN230736.
Walker-Warburg congenital muscular dystrophy. Also called: Muscular dystrophy-dystroglycanopathy, type A; Walker-Warburg syndrome. Identifiers: Orphanet 899, MedGen C0265221, MONDO:0000171.

Allele frequency attached by ClinVar (database versions not stated): gnomAD exomes below 0.00001; gnomAD 0.00001; TOPMed 0.00002.
gnomAD v4.1: 5 of 1,611,840 alleles (0.00031%); highest among the groups gnomAD compares: African/African-American, 0.0067%; no homozygotes.

Submissions (2):

Ambry Genetics
Classification: Uncertain significance for Cardiovascular phenotype. Last evaluated: 2026-08-03. Review status: criteria provided, single submitter. Criteria: Ambry Variant Classification Scheme 2023. Collection method: clinical testing. Allele origin: germline.
Comment: The p.I48V variant (also known as c.142A>G), located in coding exon 2 of the FKTN gene, results from an A to G substitution at nucleotide position 142. The isoleucine at codon 48 is replaced by valine, an amino acid with highly similar properties. This amino acid position is conserved. In addition, this alteration is predicted to be tolerated by in silico analysis. Based on the available evidence, the clinical significance of this variant remains unclear.

Labcorp Genetics (formerly Invitae), Labcorp
Classification: Uncertain significance for Walker-Warburg congenital muscular dystrophy. Last evaluated: 2022-07-22. Review status: criteria provided, single submitter. Criteria: Invitae Variant Classification Sherloc (09022015). Collection method: clinical testing. Allele origin: germline.
Comment: In summary, the available evidence is currently insufficient to determine the role of this variant in disease. Therefore, it has been classified as a Variant of Uncertain Significance. Algorithms developed to predict the effect of missense changes on protein structure and function output the following: SIFT: "Tolerated"; PolyPhen-2: "Benign"; Align-GVGD: "Class C0". The valine amino acid residue is found in multiple mammalian species, which suggests that this missense change does not adversely affect protein function. This variant has not been reported in the literature in individuals affected with FKTN-related conditions. This variant is not present in population databases (gnomAD no frequency). This sequence change replaces isoleucine, which is neutral and non-polar, with valine, which is neutral and non-polar, at codon 48 of the FKTN protein (p.Ile48Val).

NM_001079802.2(FKTN):c.142A>G (p.Ile48Val)

Gene: FKTN (fukutin; plus strand). Cytogenetic location: 9q31.2.
Variant type: single nucleotide variant.
Coding change: c.142A>G on transcript NM_001079802.2 (MANE Select); coding-DNA position 142, A replaced by G.
Protein change: p.Ile48Val; replaces isoleucine 48 with valine.
Molecular consequence: missense variant. On other transcripts: 5 prime UTR variant (5), non-coding transcript variant (2).
Genome position (GRCh38, 1-based): chr9:105,596,634, A>G. VCF-style: chr9-105596634-A-G. GRCh37 (hg19) VCF-style: chr9-108358915-A-G.
Other names: c.142A>G, p.Ile48Val (NM_001198963.2, NM_001351496.2, NM_001351498.2 and 1 more transcripts); c.-26A>G (NM_001351497.2); c.-373A>G (NM_001351499.2, NM_001351500.2, NM_001351501.2 and 1 more transcripts); short protein forms I48V.
Identifiers: ClinVar variation 2172534 (VCV002172534.3), dbSNP rs1826854625, ClinGen allele CA374331097.